The following is an entry in ClinVar:

ClinVar aggregate classification (germline): Likely benign (1 of 4 stars; one submission).

Submission:

CeGaT Center for Human Genetics Tuebingen
Classification: Likely benign. Last evaluated: 2023-02-01. Review status: criteria provided, single submitter. Criteria: CeGaT Center For Human Genetics Tuebingen Variant Classification Criteria Version 2. Collection method: clinical testing. Allele origin: germline. Affected: yes. Observed: 2 variant alleles.
Comment: GOLGA8IP: BP4, BP7, BS2

NR_024074.2:n.1182T>C

Variant type: single nucleotide variant.
Molecular consequence: non-coding transcript variant (on NR_024074.2).
Genome position: GRCh38 VCF-style: chr15-22611325-A-G. GRCh37 (hg19) VCF-style: chr15-23261771-T-C.
Identifiers: ClinVar variation 2644955 (VCV002644955.24), dbSNP rs200479498, ClinGen allele CA7426488.